The following is an entry in ClinVar:

ClinVar aggregate classification (germline): Uncertain significance (1 of 4 stars; one submission).

Submission:

Labcorp Genetics (formerly Invitae), Labcorp
Classification: Uncertain significance. Last evaluated: 2023-10-17. Review status: criteria provided, single submitter. Criteria: Invitae Variant Classification Sherloc (09022015). Collection method: clinical testing. Allele origin: germline.
Comment: This sequence change replaces glutamine, which is neutral and polar, with leucine, which is neutral and non-polar, at codon 850 of the ROR2 protein (p.Gln850Leu). This variant is not present in population databases (gnomAD no frequency). This variant has not been reported in the literature in individuals affected with ROR2-related conditions. Advanced modeling of protein sequence and biophysical properties (such as structural, functional, and spatial information, amino acid conservation, physicochemical variation, residue mobility, and thermodynamic stability) performed at Invitae indicates that this missense variant is not expected to disrupt ROR2 protein function. In summary, the available evidence is currently insufficient to determine the role of this variant in disease. Therefore, it has been classified as a Variant of Uncertain Significance.

NM_004560.4(ROR2):c.2549A>T (p.Gln850Leu)

Gene: ROR2 (receptor tyrosine kinase like orphan receptor 2; minus strand). Cytogenetic location: 9q22.31.
Variant type: single nucleotide variant.
Coding change: c.2549A>T on transcript NM_004560.4 (MANE Select); coding-DNA position 2549, A replaced by T.
Protein change: p.Gln850Leu; replaces glutamine 850 with leucine.
Molecular consequence: missense variant.
Genome position (GRCh38, 1-based): chr9:91,723,945, T>A on the plus strand (A>T on the coding strand, the complement: ROR2 is on the minus strand). VCF-style: chr9-91723945-T-A. GRCh37 (hg19) VCF-style: chr9-94486227-T-A.
Other names: short protein forms Q850L.
Identifiers: ClinVar variation 2753584 (VCV002753584.3), dbSNP rs1411243993, ClinGen allele CA373793859.